The following is an entry in ClinVar:

NM_001368894.2(PAX6):c.113G>T (p.Arg38Leu)

Gene: PAX6 (paired box 6; minus strand). Cytogenetic location: 11p13.
Variant type: single nucleotide variant.
Coding change: c.113G>T on transcript NM_001368894.2 (MANE Select); coding-DNA position 113, G replaced by T.
Protein change: p.Arg38Leu; replaces arginine 38 with leucine.
Molecular consequence: missense variant. On other transcripts: 5 prime UTR variant (12), non-coding transcript variant (2), intron variant (2).
Genome position (GRCh38, 1-based): chr11:31,802,732, C>A on the plus strand (G>T on the coding strand, the complement: PAX6 is on the minus strand). VCF-style: chr11-31802732-C-A. GRCh37 (hg19) VCF-style: chr11-31824280-C-A.
Other names: c.113G>T, p.Arg38Leu (NM_000280.6, NM_001127612.3, NM_001258462.3 and 30 more transcripts); c.-669G>T (NM_001310160.2, NM_001368905.2); c.-338G>T (NM_001310161.3, NM_001368900.2, NM_001368903.2 and 2 more transcripts); c.-296G>T (NM_001368899.2, NM_001368901.2, NM_001368906.2 and 1 more transcripts); c.-627G>T (NM_001368902.2); c.356G>T, p.Arg119Leu (NM_001368910.2); c.116G>T, p.Arg39Leu (NM_001368911.2); c.-267-956G>T (NM_001368909.2, NM_001368904.2); short protein forms R119L, R38L, R39L.
Identifiers: ClinVar variation 4782911 (VCV004782911.1).
Genomic context (GRCh38, chr11:31,802,732, plus strand): 5'-GGCGGCGAGTGGGGCGGCGCCGGGAGGATCACCTGCAGAATTCGGGAAATGTCGCACGGC[C>A]GGGCCCCGCTGTGAGCTAGCTCTACAATCTTCTGCCGGGTGGAGTCCGGCAGTGGCCGCC-3'
Protein context (NP_001355823.1, residues 28-48): KIVELAHSGA[Arg38Leu]PCDISRILQT

ClinVar aggregate classification (germline): Uncertain significance (1 of 4 stars; one submission).

Conditions:
Aniridia 1 (AN1). Identifiers: Orphanet 250923, MedGen C0344542, MONDO:0024507, OMIM 106210.
Irido-corneo-trabecular dysgenesis (ASGD5). Also called: ANTERIOR SEGMENT DYSGENESIS 5. Identifiers: Orphanet 708, MedGen C0344559, MONDO:0011414, OMIM 604229, HP:0000659.

Submission:

Labcorp Genetics (formerly Invitae), Labcorp
Classification: Uncertain significance for Aniridia 1; Irido-corneo-trabecular dysgenesis. Last evaluated: 2025-08-24. Review status: criteria provided, single submitter. Criteria: Invitae Variant Classification Sherloc (09022015). Collection method: clinical testing. Allele origin: germline.
Comment: This sequence change replaces arginine, which is basic and polar, with leucine, which is neutral and non-polar, at codon 38 of the PAX6 protein (p.Arg38Leu). This variant is not present in population databases (gnomAD no frequency). This variant has not been reported in the literature in individuals affected with PAX6-related conditions. Invitae Evidence Modeling of protein sequence and biophysical properties (such as structural, functional, and spatial information, amino acid conservation, physicochemical variation, residue mobility, and thermodynamic stability) indicates that this missense variant is expected to disrupt PAX6 protein function with a positive predictive value of 80%. This variant disrupts the p.Arg38 amino acid residue in PAX6. Other variant(s) that disrupt this residue have been determined to be pathogenic (PMID: 17406642, 19876904, 31700164). This suggests that this residue is clinically significant, and that variants that disrupt this residue are likely to be disease-causing. In summary, the available evidence is currently insufficient to determine the role of this variant in disease. Therefore, it has been classified as a Variant of Uncertain Significance.

Literature cited by the submitters: PubMed 17406642; PubMed 19876904; PubMed 31700164.